The following is an entry in ClinVar:

NM_172107.4(KCNQ2):c.691-5C>T

Gene: KCNQ2 (potassium voltage-gated channel subfamily Q member 2; minus strand). Cytogenetic location: 20q13.33.
Variant type: single nucleotide variant.
Coding change: c.691-5C>T on transcript NM_172107.4 (MANE Select); 5 bases into the intron before coding-DNA position 691, C replaced by T.
Molecular consequence: intron variant.
Genome position (GRCh38, 1-based): chr20:63,442,536, G>A on the plus strand (C>T on the coding strand, the complement: KCNQ2 is on the minus strand). VCF-style: chr20-63442536-G-A. GRCh37 (hg19) VCF-style: chr20-62073889-G-A.
Other names: c.691-5C>T (NM_004518.6, NM_172108.5, NM_172106.3 and 1 more transcripts).
Identifiers: ClinVar variation 339336 (VCV000339336.14), dbSNP rs886056921, ClinGen allele CA10652772.

ClinVar aggregate classification (germline): Conflicting classifications of pathogenicity. Review status: criteria provided, conflicting classifications (1 of 4 stars). 4 submissions from 4 submitters: Uncertain significance (1); Likely benign (3). Last evaluated 2025-07-30.

Conditions:
Early-infantile DEE. Also called: Early infantile epileptic encephalopathy; Early infantile epileptic encephalopathy with suppression bursts; Ohtahara syndrome. Identifiers: Orphanet 1934, MedGen C0393706, MONDO:0800491.
Developmental and epileptic encephalopathy, 7 (DEE7). Also called: Early infantile epileptic encephalopathy 7; KCNQ2-Related Neonatal Epileptic Encephalopathy; KCNQ2-Related Neonatal-Onset Developmental and Epileptic Encephalopathy (NEO-DEE). Identifiers: Orphanet 439218, MedGen C3150986, MONDO:0013387, OMIM 613720.

Allele frequency attached by ClinVar (database versions not stated): gnomAD exomes 0.00001; TOPMed 0.00001; gnomAD 0.00003.
gnomAD v4.1: 22 of 1,612,700 alleles (0.0014%); highest among the groups gnomAD compares: Admixed American, 0.0033%; no homozygotes.

Submissions (4):

Labcorp Genetics (formerly Invitae), Labcorp
Classification: Likely benign for Early-infantile DEE. Last evaluated: 2025-07-30. Review status: criteria provided, single submitter. Criteria: Invitae Variant Classification Sherloc (09022015). Collection method: clinical testing. Allele origin: germline.

Blueprint Genetics
Classification: Likely benign. Last evaluated: 2021-12-27. Review status: criteria provided, single submitter. Criteria: ACMG Guidelines, 2015. Collection method: clinical testing. Allele origin: germline.

Centre for Mendelian Genomics, University Medical Centre Ljubljana
Classification: Uncertain significance for Developmental and epileptic encephalopathy, 7. Last evaluated: 2018-12-04. Review status: criteria provided, single submitter. Criteria: ACMG Guidelines, 2015. Collection method: clinical testing. Allele origin: unknown. Affected: yes.
Comment: This variant was classified as: Uncertain significance. The available evidence on this variant's pathogenicity is insufficient or conflicting. The following ACMG criteria were applied in classifying this variant: BP4.

GeneDx
Classification: Likely benign. Last evaluated: 2018-05-18. Review status: criteria provided, single submitter. Criteria: GeneDx Variant Classification (06012015). Collection method: clinical testing. Allele origin: germline. Affected: yes.
Comment: This variant is considered likely benign or benign based on one or more of the following criteria: it is a conservative change, it occurs at a poorly conserved position in the protein, it is predicted to be benign by multiple in silico algorithms, and/or has population frequency not consistent with disease.